The following is an entry in ClinVar:

NM_052876.4(NACC1):c.165C>T (p.Phe55=)

Gene: NACC1 (nucleus accumbens associated 1; plus strand). Cytogenetic location: 19p13.13.
Variant type: single nucleotide variant.
Coding change: c.165C>T on transcript NM_052876.4 (MANE Select); coding-DNA position 165, C replaced by T.
Protein change: p.Phe55=; no amino-acid change (phenylalanine 55 retained).
Molecular consequence: synonymous variant.
Genome position (GRCh38, 1-based): chr19:13,135,372, C>T. VCF-style: chr19-13135372-C-T. GRCh37 (hg19) VCF-style: chr19-13246186-C-T.
Other names: c.165C>T (NM_052876.3).
Identifiers: ClinVar variation 1544921 (VCV001544921.10), dbSNP rs1234882357, ClinGen allele CA505782638.

ClinVar aggregate classification (germline): Likely benign. Review status: criteria provided, single submitter (1 of 4 stars). 2 submissions from 2 submitters: Likely benign (1). 1 of the submissions does not count toward it. Last evaluated 2024-08-28.

Conditions:
NACC1-related disorder. Also called: NACC1-related condition.

Allele frequency attached by ClinVar (database versions not stated): gnomAD exomes below 0.00001 and 0.00001; TOPMed 0.00002; gnomAD 0.00003.
gnomAD v4.1: 11 of 1,613,558 alleles (0.00068%); highest among the groups gnomAD compares: Non-Finnish European, 0.00093%; no homozygotes.

Submissions (2):

Labcorp Genetics (formerly Invitae), Labcorp
Classification: Likely benign. Last evaluated: 2024-08-28. Review status: criteria provided, single submitter. Criteria: Invitae Variant Classification Sherloc (09022015). Collection method: clinical testing. Allele origin: germline.

PreventionGenetics, part of Exact Sciences
Classification: Likely benign for NACC1-related condition. Last evaluated: 2022-08-05. Review status: no assertion criteria provided. Collection method: clinical testing. Allele origin: germline. Not counted in ClinVar's aggregate classification.
Comment: This variant is classified as likely benign based on ACMG/AMP sequence variant interpretation guidelines (Richards et al. 2015 PMID: 25741868, with internal and published modifications).